The following is an entry in ClinVar:

ClinVar aggregate classification (germline): Uncertain significance. Review status: criteria provided, multiple submitters, no conflicts (2 of 4 stars). 2 submissions from 2 submitters: Uncertain significance (2). Last evaluated 2025-04-10.

Conditions:
Hereditary cancer-predisposing syndrome. Also called: Neoplastic Syndromes, Hereditary; Tumor predisposition; Hereditary Cancer Syndrome; Hereditary neoplastic syndrome. Identifiers: Orphanet 140162, MedGen C0027672, MeSH D009386, MONDO:0015356.

gnomAD v4.1: 1 of 1,613,414 alleles (0.000062%); highest among the groups gnomAD compares: Non-Finnish European, 0.000085%; no homozygotes.

Submissions (2):

Ambry Genetics
Classification: Uncertain significance for Hereditary cancer-predisposing syndrome. Last evaluated: 2025-04-10. Review status: criteria provided, single submitter. Criteria: Ambry Variant Classification Scheme 2023. Collection method: clinical testing. Allele origin: germline.
Comment: The p.E1061V variant (also known as c.3182A>T), located in coding exon 21 of the RAD50 gene, results from an A to T substitution at nucleotide position 3182. The glutamic acid at codon 1061 is replaced by valine, an amino acid with dissimilar properties. This variant was not reported in population based cohorts in the following databases: Database of Single Nucleotide Polymorphisms (dbSNP), NHLBI Exome Sequencing Project (ESP), and 1000 Genomes Project. In the ESP, this variant was not observed in 6502 samples (13004 alleles) with coverage at this position. To date, this alteration has been detected with an allele frequency of approximately 0.001% (greater than 175000 alleles tested) in our clinical cohort. This amino acid position is well conserved in available vertebrate species. In addition, this alteration is predicted to be tolerated by in silico analysis. Since supporting evidence is limited at this time, the clinical significance of this alteration remains unclear.

Labcorp Genetics (formerly Invitae), Labcorp
Classification: Uncertain significance for Hereditary cancer-predisposing syndrome. Last evaluated: 2023-07-16. Review status: criteria provided, single submitter. Criteria: Invitae Variant Classification Sherloc (09022015). Collection method: clinical testing. Allele origin: germline.
Comment: In summary, the available evidence is currently insufficient to determine the role of this variant in disease. Therefore, it has been classified as a Variant of Uncertain Significance. Advanced modeling of protein sequence and biophysical properties (such as structural, functional, and spatial information, amino acid conservation, physicochemical variation, residue mobility, and thermodynamic stability) performed at Invitae indicates that this missense variant is not expected to disrupt RAD50 protein function. This sequence change replaces glutamic acid, which is acidic and polar, with valine, which is neutral and non-polar, at codon 1061 of the RAD50 protein (p.Glu1061Val). This variant is not present in population databases (gnomAD no frequency). This variant has not been reported in the literature in individuals affected with RAD50-related conditions. ClinVar contains an entry for this variant (Variation ID: 484654).

NM_005732.4(RAD50):c.3182A>T (p.Glu1061Val)

Gene: RAD50 (RAD50 double strand break repair protein; plus strand). Cytogenetic location: 5q31.1.
Variant type: single nucleotide variant.
Coding change: c.3182A>T on transcript NM_005732.4 (MANE Select); coding-DNA position 3182, A replaced by T.
Protein change: p.Glu1061Val; replaces glutamic acid 1061 with valine.
Molecular consequence: missense variant.
Genome position (GRCh38, 1-based): chr5:132,618,087, A>T. VCF-style: chr5-132618087-A-T. GRCh37 (hg19) VCF-style: chr5-131953779-A-T.
Other names: short protein forms E1061V.
Identifiers: ClinVar variation 484654 (VCV000484654.9), dbSNP rs876659658, ClinGen allele CA360964240.